The following is an entry in ClinVar:

ClinVar aggregate classification (germline): Uncertain significance (1 of 4 stars; one submission).

Conditions:
Cerebellar ataxia, impaired intellectual development, and dysequilibrium syndrome 1. Also called: VLDLR Cerebellar Hypoplasia; Cerebellar ataxia, intellectual disability, and dysequilibrium syndrome 1; CEREBELLAR ATAXIA AND MENTAL RETARDATION WITH OR WITHOUT QUADRUPEDAL LOCOMOTION 1; CEREBELLAR ATAXIA, CONGENITAL, AND MENTAL RETARDATION, AUTOSOMAL RECESSIVE; Cerebellar hypoplasia and mental retardation with or without quadrupedal locomotion 1; Cerebellar ataxia, mental retardation, and dysequilibrium syndrome 1. Identifiers: Orphanet 1766, MedGen C4551552, MONDO:0024542, OMIM 224050.

Submission:

Baylor Genetics
Classification: Uncertain significance for Cerebellar ataxia, impaired intellectual development, and dysequilibrium syndrome 1. Last evaluated: 2018-07-24. Review status: criteria provided, single submitter. Criteria: ACMG Guidelines, 2015. Collection method: clinical testing. Allele origin: unknown. Affected: yes.
Comment: This variant was determined to be of uncertain significance according to ACMG Guidelines, 2015 [PMID:25741868].

NM_003383.5(VLDLR):c.919T>C (p.Ser307Pro)

Gene: VLDLR (very low density lipoprotein receptor; plus strand). Cytogenetic location: 9p24.2.
Variant type: single nucleotide variant.
Coding change: c.919T>C on transcript NM_003383.5 (MANE Select); coding-DNA position 919, T replaced by C.
Protein change: p.Ser307Pro; replaces serine 307 with proline.
Molecular consequence: missense variant.
Genome position (GRCh38, 1-based): chr9:2,643,726, T>C. VCF-style: chr9-2643726-T-C. GRCh37 (hg19) VCF-style: chr9-2643726-T-C.
Other names: c.919T>C, p.Ser307Pro (NM_001018056.3); c.796T>C, p.Ser266Pro (NM_001322225.2, NM_001322226.2); short protein forms S266P, S307P.
Identifiers: ClinVar variation 1032128 (VCV001032128.1), dbSNP rs1817930978, ClinGen allele CA372792203.
Genomic context (GRCh38, chr9:2,643,726, plus strand): 5'-GATGGCAGCTGCATCCATGGCAGCAGGCAGTGTAATGGTATCCGAGACTGTGTCGATGGT[T>C]CCGATGAAGTCAACTGCAAAAATGGTAAGGGTTTCTTCTTGTTGGTTAAGCAATGGATTG-3'
Protein context (NP_003374.3, residues 297-317): CNGIRDCVDG[Ser307Pro]DEVNCKNVNQ